The following is an entry in ClinVar:

NM_007194.4(CHEK2):c.479T>A (p.Ile160Lys)

Gene: CHEK2 (checkpoint kinase 2; minus strand). Cytogenetic location: 22q12.1.
Variant type: single nucleotide variant.
Coding change: c.479T>A on transcript NM_007194.4 (MANE Select); coding-DNA position 479, T replaced by A.
Protein change: p.Ile160Lys; replaces isoleucine 160 with lysine.
Molecular consequence: missense variant. On other transcripts: 5 prime UTR variant (2), intron variant (1).
Genome position (GRCh38, 1-based): chr22:28,725,090, A>T on the plus strand (T>A on the coding strand, the complement: CHEK2 is on the minus strand). VCF-style: chr22-28725090-A-T. GRCh37 (hg19) VCF-style: chr22-29121078-A-T.
Other names: c.608T>A, p.Ile203Lys (NM_001005735.3, NM_001438294.1); c.-299T>A (NM_001257387.3); c.-185T>A (NM_001437942.1); c.572T>A, p.Ile191Lys (NM_001438293.1, NM_001438295.1); c.479T>A, p.Ile160Lys (NM_145862.3); c.444+153T>A (NM_001349956.3); c.479T>A (NM_007194.3); short protein forms I160K, I203K, I191K.
Identifiers: ClinVar variation 3066273 (VCV003066273.2), dbSNP rs72552323, ClinGen allele CA411107602.

ClinVar aggregate classification (germline): Uncertain significance. Review status: criteria provided, multiple submitters, no conflicts (2 of 4 stars). 2 submissions from 2 submitters: Uncertain significance (2). Last evaluated 2026-01-29.

Conditions:
Hereditary cancer-predisposing syndrome. Also called: Neoplastic Syndromes, Hereditary; Tumor predisposition; Hereditary Cancer Syndrome; Hereditary neoplastic syndrome. Identifiers: Orphanet 140162, MedGen C0027672, MeSH D009386, MONDO:0015356.
CHEK2-related cancer predisposition (TPDS4). Also called: CANCER PREDISPOSITION SYNDROME, CHEK2-RELATED; TUMOR PREDISPOSITION SYNDROME 4; CHEK2-related cancer susceptibility. Identifiers: Orphanet 524, MedGen C5882668, MONDO:0700271, OMIM 609265.

Submissions (2):

Ambry Genetics
Classification: Uncertain significance for Hereditary cancer-predisposing syndrome. Last evaluated: 2026-01-29. Review status: criteria provided, single submitter. Criteria: Ambry Variant Classification Scheme 2023. Collection method: clinical testing. Allele origin: germline.
Comment: The p.I160K variant (also known as c.479T>A), located in coding exon 3 of the CHEK2 gene, results from a T to A substitution at nucleotide position 479. The isoleucine at codon 160 is replaced by lysine, an amino acid with dissimilar properties. This amino acid position is well conserved in available vertebrate species. In addition, this alteration is predicted to be deleterious by in silico analysis. Based on the available evidence, the clinical significance of this variant remains unclear.

MVZ Medizinische Genetik Mainz
Classification: Uncertain significance for CHEK2-related cancer predisposition. Last evaluated: 2022-12-23. Review status: criteria provided, single submitter. Criteria: UK Practice Guidelines For Variant Classification V4 01 2020. Collection method: clinical testing. Allele origin: germline. Inheritance: Unknown mechanism. Affected: yes. Observed: 1 variant allele.
Comment: ACMG Criteria: PM2_SUP,PP3